The following is an entry in ClinVar:

ClinVar aggregate classification (germline): Uncertain significance (1 of 4 stars; one submission).

Conditions:
Ullrich congenital muscular dystrophy 2 (UCMD2). Identifiers: Orphanet 75840, MedGen C4225314, MONDO:0014654, OMIM 616470.
Bethlem myopathy 2 (BTHLM2). Identifiers: Orphanet 536516, Orphanet 610, MedGen C4225313, MONDO:0034022, OMIM 616471.

Allele frequency attached by ClinVar (database versions not stated): TOPMed 0.00001; gnomAD exomes below 0.00001.
gnomAD v4.1: 6 of 1,612,728 alleles (0.00037%); highest among the groups gnomAD compares: Non-Finnish European, 0.00042%; no homozygotes.

Submission:

Labcorp Genetics (formerly Invitae), Labcorp
Classification: Uncertain significance for Bethlem myopathy 2; Ullrich congenital muscular dystrophy 2. Last evaluated: 2023-05-13. Review status: criteria provided, single submitter. Criteria: Invitae Variant Classification Sherloc (09022015). Collection method: clinical testing. Allele origin: germline.
Comment: Advanced modeling of protein sequence and biophysical properties (such as structural, functional, and spatial information, amino acid conservation, physicochemical variation, residue mobility, and thermodynamic stability) performed at Invitae indicates that this missense variant is expected to disrupt COL12A1 protein function. ClinVar contains an entry for this variant (Variation ID: 1400079). This variant has not been reported in the literature in individuals affected with COL12A1-related conditions. This variant is present in population databases (no rsID available, gnomAD 0.0009%). This sequence change replaces serine, which is neutral and polar, with cysteine, which is neutral and slightly polar, at codon 1463 of the COL12A1 protein (p.Ser1463Cys). In summary, the available evidence is currently insufficient to determine the role of this variant in disease. Therefore, it has been classified as a Variant of Uncertain Significance.

NM_004370.6(COL12A1):c.4387A>T (p.Ser1463Cys)

Gene: COL12A1 (collagen type XII alpha 1 chain; minus strand). Cytogenetic location: 6q13.
Variant type: single nucleotide variant.
Coding change: c.4387A>T on transcript NM_004370.6 (MANE Select); coding-DNA position 4387, A replaced by T.
Protein change: p.Ser1463Cys; replaces serine 1463 with cysteine.
Molecular consequence: missense variant.
Genome position (GRCh38, 1-based): chr6:75,147,705, T>A on the plus strand (A>T on the coding strand, the complement: COL12A1 is on the minus strand). VCF-style: chr6-75147705-T-A. GRCh37 (hg19) VCF-style: chr6-75857421-T-A.
Other names: c.895A>T, p.Ser299Cys (NM_080645.3); short protein forms S1463C, S299C.
Identifiers: ClinVar variation 1400079 (VCV001400079.8), dbSNP rs897954123, ClinGen allele CA141001998.